The following is an entry in ClinVar:

ClinVar aggregate classification (germline): Benign. Review status: criteria provided, multiple submitters, no conflicts (2 of 4 stars). 3 submissions from 3 submitters: Benign (3). Last evaluated 2024-01-24.

Allele frequency attached by ClinVar (database versions not stated): 1000 Genomes Project 0.31030; 1000 Genomes Project 30x 0.31808; TOPMed 0.39482; gnomAD 0.40178 and 0.41034; gnomAD exomes 0.42888.
gnomAD v4.1: 342,203 of 808,906 alleles (42%); highest among the groups gnomAD compares: Non-Finnish European, 46%; 72,224 homozygotes.

Submissions (3):

Unidad de Genómica Garrahan, Hospital de Pediatría Garrahan
Classification: Benign. Last evaluated: 2024-01-24. Review status: criteria provided, single submitter. Criteria: ACMG Guidelines, 2015. Collection method: clinical testing. Allele origin: germline. Affected: no. Observed: 52 variant alleles.
Comment: This variant is classified as Benign based on local population frequency. This variant was detected in 55% of patients studied by a panel of primary immunodeficiencies. Number of patients: 52. Only high quality variants are reported.

GeneDx
Classification: Benign. Last evaluated: 2018-06-14. Review status: criteria provided, single submitter. Criteria: GeneDx Variant Classification (06012015). Collection method: clinical testing. Allele origin: germline. Affected: yes.
Comment: This variant is considered likely benign or benign based on one or more of the following criteria: it is a conservative change, it occurs at a poorly conserved position in the protein, it is predicted to be benign by multiple in silico algorithms, and/or has population frequency not consistent with disease.

Breakthrough Genomics
Classification: Benign. Review status: criteria provided, single submitter. Criteria: ACMG Guidelines, 2015. Collection method: not provided. Allele origin: germline. Inheritance: Autosomal recessive inheritance. Affected: yes.

NM_001291303.3(FAT4):c.11905+83A>C

Gene: FAT4 (FAT atypical cadherin 4; plus strand). Cytogenetic location: 4q28.1.
Variant type: single nucleotide variant.
Coding change: c.11905+83A>C on transcript NM_001291303.3 (MANE Select); 83 bases into the intron after coding-DNA position 11905, A replaced by C.
Molecular consequence: intron variant.
Genome position (GRCh38, 1-based): chr4:125,463,750, A>C. VCF-style: chr4-125463750-A-C. GRCh37 (hg19) VCF-style: chr4-126384905-A-C.
Other names: c.11905+83A>C (NM_001291285.3); c.11899+83A>C (NM_024582.6).
Identifiers: ClinVar variation 680146 (VCV000680146.4), dbSNP rs10010645, ClinGen allele CA104857457.